The following is an entry in ClinVar:

ClinVar aggregate classification (germline): Benign/Likely benign. Review status: criteria provided, multiple submitters, no conflicts (2 of 4 stars). 6 submissions from 6 submitters: Benign (4); Likely benign (2). Last evaluated 2026-02-03.

Conditions:
SRD5A3-congenital disorder of glycosylation. Also called: CDG Iq; COLOBOMA, OCULAR, WITH ICHTHYOSIS, BRAIN MALFORMATIONS, AND ENDOCRINE ABNORMALITIES; Ocular colobomas, ichthyosis, brain malformations and endocrine abnormalities; Congenital disorder of glycosylation type 1Q; SRD5A3-CDG. Identifiers: Orphanet 324737, MedGen C4317224, MONDO:0012885, OMIM 612379.

Allele frequency attached by ClinVar (database versions not stated): gnomAD exomes 0.00132 and 0.00343; ExAC 0.00421; 1000 Genomes Project 0.01378; gnomAD 0.01384 and 0.01465; TOPMed 0.01526; ESP Exome Variant Server 0.01569; 1000 Genomes Project 30x 0.01608.
gnomAD v4.1: 4,094 of 1,614,010 alleles (0.25%); highest among the groups gnomAD compares: African/African-American, 4.9%; 97 homozygotes.

Submissions (6):

Labcorp Genetics (formerly Invitae), Labcorp
Classification: Benign for SRD5A3-congenital disorder of glycosylation. Last evaluated: 2026-02-03. Review status: criteria provided, single submitter. Criteria: Invitae Variant Classification Sherloc (09022015). Collection method: clinical testing. Allele origin: germline.

Mayo Clinic Laboratories, Mayo Clinic
Classification: Benign. Last evaluated: 2024-01-02. Review status: criteria provided, single submitter. Criteria: ACMG Guidelines, 2015. Collection method: clinical testing. Allele origin: germline. Observed: 5 variant alleles.
Comment: BA1, BP4

Illumina Laboratory Services, Illumina
Classification: Benign for SRD5A3-congenital disorder of glycosylation. Last evaluated: 2018-01-13. Review status: criteria provided, single submitter. Criteria: ICSL Variant Classification Criteria 13 December 2019. Collection method: clinical testing. Allele origin: germline.
Comment: This variant was observed in the ICSL laboratory as part of a predisposition screen in an ostensibly healthy population. It had not been previously curated by ICSL or reported in the Human Gene Mutation Database (HGMD: prior to June 1st, 2018), and was therefore a candidate for classification through an automated scoring system. Utilizing variant allele frequency, disease prevalence and penetrance estimates, and inheritance mode, an automated score was calculated to assess if this variant is too frequent to cause the disease. Based on the score and internal cut-off values, a variant classified as benign is not then subjected to further curation. The score for this variant resulted in a classification of benign for this disease.

Center for Pediatric Genomic Medicine, Children's Mercy Hospital and Clinics
Classification: Likely benign. Last evaluated: 2017-02-22. Review status: criteria provided, single submitter. Criteria: ACMG Guidelines, 2015. Collection method: clinical testing. Allele origin: germline.

GeneDx
Classification: Benign. Last evaluated: 2016-03-30. Review status: criteria provided, single submitter. Criteria: GeneDx Variant Classification (06012015). Collection method: clinical testing. Allele origin: germline. Affected: yes.
Comment: This variant is considered likely benign or benign based on one or more of the following criteria: it is a conservative change, it occurs at a poorly conserved position in the protein, it is predicted to be benign by multiple in silico algorithms, and/or has population frequency not consistent with disease.

Breakthrough Genomics
Classification: Likely benign. Review status: criteria provided, single submitter. Criteria: ACMG Guidelines, 2015. Collection method: not provided. Allele origin: germline. Inheritance: Autosomal recessive inheritance. Affected: yes.

NM_024592.5(SRD5A3):c.925C>G (p.His309Asp)

Genes: SRD5A3-AS1 (SRD5A3 antisense RNA 1; minus strand), SRD5A3 (steroid 5 alpha-reductase 3; plus strand). Cytogenetic location: 4q12.
Variant type: single nucleotide variant.
Coding change: c.925C>G on transcript NM_024592.5 (MANE Select); coding-DNA position 925, C replaced by G.
Protein change: p.His309Asp; replaces histidine 309 with aspartic acid.
Molecular consequence: missense variant.
Genome position (GRCh38, 1-based): chr4:55,370,059, C>G. VCF-style: chr4-55370059-C-G. GRCh37 (hg19) VCF-style: chr4-56236226-C-G.
Other names: p.His309Asp; short protein forms H309D.
Identifiers: ClinVar variation 349008 (VCV000349008.16), dbSNP rs61733673, ClinGen allele CA2925417.